The following is an entry in ClinVar:

ClinVar aggregate classification (germline): Uncertain significance. Review status: criteria provided, multiple submitters, no conflicts (2 of 4 stars). 2 submissions from 2 submitters: Uncertain significance (2). Last evaluated 2023-11-17.

Conditions:
Cardiovascular phenotype. Identifiers: MedGen CN230736.
Hypertrophic cardiomyopathy. Also called: HYPERTROPHIC MYOCARDIOPATHY. Identifiers: Orphanet 217569, MedGen C0007194, MeSH D002312, MONDO:0005045, HP:0001639.

Submissions (2):

Labcorp Genetics (formerly Invitae), Labcorp
Classification: Uncertain significance for Hypertrophic cardiomyopathy. Last evaluated: 2023-11-17. Review status: criteria provided, single submitter. Criteria: Invitae Variant Classification Sherloc (09022015). Collection method: clinical testing. Allele origin: germline.
Comment: This sequence change replaces methionine, which is neutral and non-polar, with threonine, which is neutral and polar, at codon 8 of the TPM1 protein (p.Met8Thr). This variant is not present in population databases (gnomAD no frequency). This variant has not been reported in the literature in individuals affected with TPM1-related conditions. ClinVar contains an entry for this variant (Variation ID: 1790722). An algorithm developed to predict the effect of missense changes on protein structure and function (PolyPhen-2) suggests that this variant is likely to be disruptive. This variant disrupts the p.Met8 amino acid residue in TPM1. Other variant(s) that disrupt this residue have been determined to be pathogenic (PMID: 22464770, 33020181). This suggests that this residue is clinically significant, and that variants that disrupt this residue are likely to be disease-causing. In summary, the available evidence is currently insufficient to determine the role of this variant in disease. Therefore, it has been classified as a Variant of Uncertain Significance.

Ambry Genetics
Classification: Uncertain significance for Cardiovascular phenotype. Last evaluated: 2019-12-12. Review status: criteria provided, single submitter. Criteria: Ambry Variant Classification Scheme 2023. Collection method: clinical testing. Allele origin: germline.
Comment: The p.M8T variant (also known as c.23T>C), located in coding exon 1 of the TPM1 gene, results from a T to C substitution at nucleotide position 23. The methionine at codon 8 is replaced by threonine, an amino acid with similar properties. This amino acid position is highly conserved in available vertebrate species. In addition, this alteration is predicted to be deleterious by in silico analysis. Since supporting evidence is limited at this time, the clinical significance of this alteration remains unclear.

Literature cited by the submitters: PubMed 22464770 (cited by Labcorp Genetics (formerly Invitae), Labcorp); PubMed 33020181 (cited by Labcorp Genetics (formerly Invitae), Labcorp).

NM_001018005.2(TPM1):c.23T>C (p.Met8Thr)

Gene: TPM1 (tropomyosin 1; plus strand). Cytogenetic location: 15q22.2.
Variant type: single nucleotide variant.
Coding change: c.23T>C on transcript NM_001018005.2 (MANE Select); coding-DNA position 23, T replaced by C.
Protein change: p.Met8Thr; replaces methionine 8 with threonine.
Molecular consequence: missense variant.
Genome position (GRCh38, 1-based): chr15:63,042,852, T>C. VCF-style: chr15-63042852-T-C. GRCh37 (hg19) VCF-style: chr15-63335051-T-C.
Other names: c.23T>C, p.Met8Thr (NM_000366.6, NM_001018004.2, NM_001018006.2 and 24 more transcripts); short protein forms M8T.
Identifiers: ClinVar variation 1790722 (VCV001790722.5), dbSNP rs397516364, ClinGen allele CA392717963.